The following is an entry in ClinVar:

NM_024537.4(CARS2):c.1162G>A (p.Gly388Ser)

Gene: CARS2 (cysteinyl-tRNA synthetase 2, mitochondrial; minus strand). Cytogenetic location: 13q34.
Variant type: single nucleotide variant.
Coding change: c.1162G>A on transcript NM_024537.4 (MANE Select); coding-DNA position 1162, G replaced by A.
Protein change: p.Gly388Ser; replaces glycine 388 with serine.
Molecular consequence: missense variant. On other transcripts: non-coding transcript variant (2).
Genome position (GRCh38, 1-based): chr13:110,647,132, C>T on the plus strand (G>A on the coding strand, the complement: CARS2 is on the minus strand). VCF-style: chr13-110647132-C-T. GRCh37 (hg19) VCF-style: chr13-111299479-C-T.
Other names: c.1162G>A (NM_024537.2); c.376G>A, p.Gly126Ser (NM_001352252.2); short protein forms G126S, G388S.
Identifiers: ClinVar variation 948312 (VCV000948312.13), dbSNP rs746241006, ClinGen allele CA7051892.
Genomic context (GRCh38, chr13:110,647,132, plus strand): 5'-CCACGCCGGGTGCTAGGCGGGCCTCTTACCTCTCCCACAGCATCGCTTCCCTGACGGAGC[C>T]GCAGGCCAGCTGCCCCTTCATGTAGGCACGTGCGTCCTCCAGGAAAGAGCCCAGCCCCAG-3'
Protein context (NP_078813.1, residues 378-398): RAYMKGQLAC[Gly388Ser]SVREAMLWER

ClinVar aggregate classification (germline): Uncertain significance. Review status: criteria provided, multiple submitters, no conflicts (2 of 4 stars). 3 submissions from 3 submitters: Uncertain significance (3). Last evaluated 2023-07-17.

Conditions:
Inborn genetic diseases. Identifiers: MedGen C0950123, MeSH D030342.
Combined oxidative phosphorylation defect type 27. Also called: Combined oxidative phosphorylation deficiency 27. Identifiers: Orphanet 477774, MedGen C5567608, MONDO:0014728, OMIM 616672.

Allele frequency attached by ClinVar (database versions not stated): gnomAD exomes 0.00001 and 0.00003; TOPMed 0.00001; ExAC 0.00002.
gnomAD v4.1: 47 of 1,604,876 alleles (0.0029%); highest among the groups gnomAD compares: East Asian, 0.0045%; no homozygotes.

Submissions (3):

Labcorp Genetics (formerly Invitae), Labcorp
Classification: Uncertain significance for Combined oxidative phosphorylation defect type 27. Last evaluated: 2023-07-17. Review status: criteria provided, single submitter. Criteria: Invitae Variant Classification Sherloc (09022015). Collection method: clinical testing. Allele origin: germline.
Comment: The frequency data for this variant in the population databases is considered unreliable, as metrics indicate poor data quality at this position in the gnomAD database. This sequence change replaces glycine, which is neutral and non-polar, with serine, which is neutral and polar, at codon 388 of the CARS2 protein (p.Gly388Ser). This variant has not been reported in the literature in individuals affected with CARS2-related conditions. In summary, the available evidence is currently insufficient to determine the role of this variant in disease. Therefore, it has been classified as a Variant of Uncertain Significance. An algorithm developed to predict the effect of missense changes on protein structure and function (PolyPhen-2) suggests that this variant¬†is likely to be tolerated. ClinVar contains an entry for this variant (Variation ID: 948312).

Ambry Genetics
Classification: Uncertain significance for Inborn genetic diseases. Last evaluated: 2023-06-02. Review status: criteria provided, single submitter. Criteria: Ambry Variant Classification Scheme 2023. Collection method: clinical testing. Allele origin: germline.

Revvity Omics, Revvity
Classification: Uncertain significance for Combined oxidative phosphorylation defect type 27. Last evaluated: 2022-02-09. Review status: criteria provided, single submitter. Criteria: ACMG Guidelines, 2015. Collection method: clinical testing. Allele origin: germline.